The following is an entry in ClinVar:

ClinVar aggregate classification (germline): Uncertain significance (1 of 4 stars; one submission).

Conditions:
Cardiomyopathy (CMYO). Also called: Cardiomyopathies. Identifiers: Orphanet 167848, MedGen C0878544, MONDO:0004994, HP:0001638. Inheritance: Various modes of inheritance.

Submission:

Color Diagnostics, LLC DBA Color Health
Classification: Uncertain significance for Cardiomyopathy. Last evaluated: 2021-06-07. Review status: criteria provided, single submitter. Criteria: ACMG Guidelines, 2015. Collection method: clinical testing. Allele origin: germline.
Comment: This variant causes an A to C nucleotide substitution at the +3 position of intron 6 of the TPM1 gene. Splice site prediction tools predict that this variant may have a significant impact on RNA splicing. To our knowledge, functional studies have not been reported for this variant. This variant has not been reported in individuals affected with cardiovascular disorders in the literature. This variant has not been identified in the general population by the Genome Aggregation Database (gnomAD). The available evidence is insufficient to determine the role of this variant in disease conclusively. Therefore, this variant is classified as a Variant of Uncertain Significance.

NM_001018005.2(TPM1):c.639+3A>C

Gene: TPM1 (tropomyosin 1; plus strand). Cytogenetic location: 15q22.2.
Variant type: single nucleotide variant.
Coding change: c.639+3A>C on transcript NM_001018005.2 (MANE Select); 3 bases into the intron after coding-DNA position 639, A replaced by C.
Molecular consequence: intron variant.
Genome position (GRCh38, 1-based): chr15:63,061,791, A>C. VCF-style: chr15-63061791-A-C. GRCh37 (hg19) VCF-style: chr15-63353990-A-C.
Other names: c.765+3A>C (NM_001365778.1); c.640-424A>C (NM_001018020.2, NM_001018006.2, NM_000366.6); c.639+3A>C (NM_001018007.2, NM_001365776.1, NM_001018004.2 and 3 more transcripts); c.532-424A>C (NM_001330351.2, NM_001330344.2, NM_001365781.2); c.531+3A>C (NM_001018008.2, NM_001301289.2, NM_001365782.1 and 2 more transcripts).
Identifiers: ClinVar variation 1332534 (VCV001332534.2), dbSNP rs2140964607, ClinGen allele CA2573054057.